The following is an entry in ClinVar:

ClinVar aggregate classification (germline): Uncertain significance (1 of 4 stars; one submission).

Conditions:
Immunodeficiency. Identifiers: MedGen C0021051, MONDO:0021094, HP:0002721.

Allele frequency attached by ClinVar (database versions not stated): gnomAD exomes below 0.00001; TOPMed 0.00001; gnomAD 0.00002.
gnomAD v4.1: 7 of 1,613,944 alleles (0.00043%); highest among the groups gnomAD compares: African/African-American, 0.0093%; no homozygotes.

Submission:

Labcorp Genetics (formerly Invitae), Labcorp
Classification: Uncertain significance for Immunodeficiency. Last evaluated: 2025-07-21. Review status: criteria provided, single submitter. Criteria: Invitae Variant Classification Sherloc (09022015). Collection method: clinical testing. Allele origin: germline.
Comment: This sequence change replaces proline, which is neutral and non-polar, with leucine, which is neutral and non-polar, at codon 1020 of the NFAT5 protein (p.Pro1020Leu). This variant is present in population databases (no rsID available, gnomAD 0.008%). This variant has not been reported in the literature in individuals affected with NFAT5-related conditions. ClinVar contains an entry for this variant (Variation ID: 1927942). An algorithm developed to predict the effect of missense changes on protein structure and function (PolyPhen-2) suggests that this variant is likely to be tolerated. In summary, the available evidence is currently insufficient to determine the role of this variant in disease. Therefore, it has been classified as a Variant of Uncertain Significance.

NM_138713.4(NFAT5):c.3341C>T (p.Pro1114Leu)

Gene: NFAT5 (nuclear factor of activated T cells 5; plus strand). Cytogenetic location: 16q22.1.
Variant type: single nucleotide variant.
Coding change: c.3341C>T on transcript NM_138713.4 (MANE Select); coding-DNA position 3341, C replaced by T.
Protein change: p.Pro1114Leu; replaces proline 1114 with leucine.
Molecular consequence: missense variant.
Genome position (GRCh38, 1-based): chr16:69,693,166, C>T. VCF-style: chr16-69693166-C-T. GRCh37 (hg19) VCF-style: chr16-69727069-C-T.
Other names: c.3338C>T, p.Pro1113Leu (NM_001113178.3); c.2666C>T, p.Pro889Leu (NM_001367709.1); c.3287C>T, p.Pro1096Leu (NM_006599.4); c.3059C>T, p.Pro1020Leu (NM_138714.4, NM_173214.3, NM_173215.3); short protein forms P1096L, P1113L, P889L, P1020L, P1114L.
Identifiers: ClinVar variation 1927942 (VCV001927942.5), dbSNP rs1011632849, ClinGen allele CA283374175.
Genomic context (GRCh38, chr16:69,693,166, plus strand): 5'-ATCCTATTGCCGATGCTCAGAACCTTTCCCAGGAAACTCAAGGTTCTCTCTTTCATAGTC[C>T]AAATCCTATTGTCCACAGTCAGACTTCTACAACCTCCTCTGAACAAATGCAGCCTCCAAT-3'
Protein context (NP_619727.2, residues 1104-1124): QETQGSLFHS[Pro1114Leu]NPIVHSQTST